The following is an entry in ClinVar:

ClinVar aggregate classification (germline): Uncertain significance (1 of 4 stars; one submission).

Conditions:
Dyskeratosis congenita. Identifiers: Orphanet 1775, MedGen C0265965, MONDO:0015780.

Submission:

Ambry Genetics
Classification: Uncertain significance for Dyskeratosis congenita. Last evaluated: 2023-09-18. Review status: criteria provided, single submitter. Criteria: Ambry Variant Classification Scheme 2023. Collection method: clinical testing. Allele origin: germline.
Comment: The p.V449L variant (also known as c.1345G>C), located in coding exon 2 of the TERT gene, results from a G to C substitution at nucleotide position 1345. The valine at codon 449 is replaced by leucine, an amino acid with highly similar properties. This amino acid position is conserved. In addition, this alteration is predicted to be tolerated by in silico analysis. Since supporting evidence is limited at this time, the clinical significance of this alteration remains unclear.

NM_198253.3(TERT):c.1345G>C (p.Val449Leu)

Gene: TERT (telomerase reverse transcriptase; minus strand). Cytogenetic location: 5p15.33.
Variant type: single nucleotide variant.
Coding change: c.1345G>C on transcript NM_198253.3 (MANE Select); coding-DNA position 1345, G replaced by C.
Protein change: p.Val449Leu; replaces valine 449 with leucine.
Molecular consequence: missense variant. On other transcripts: non-coding transcript variant (2).
Genome position (GRCh38, 1-based): chr5:1,293,541, C>G on the plus strand (G>C on the coding strand, the complement: TERT is on the minus strand). VCF-style: chr5-1293541-C-G. GRCh37 (hg19) VCF-style: chr5-1293656-C-G.
Other names: c.1345G>C, p.Val449Leu (NM_001193376.3, NM_003219.1); short protein forms V449L.
Identifiers: ClinVar variation 3238504 (VCV003238504.1), dbSNP rs755718415.